The following is an entry in ClinVar:

NM_001352913.2(PPP2R5C):c.1657G>A (p.Glu553Lys)

Gene: PPP2R5C (protein phosphatase 2 regulatory subunit B'gamma; plus strand). Cytogenetic location: 14q32.31.
Variant type: single nucleotide variant.
Coding change: c.1657G>A on transcript NM_001352913.2 (MANE Select); coding-DNA position 1657, G replaced by A.
Protein change: p.Glu553Lys; replaces glutamic acid 553 with lysine.
Molecular consequence: missense variant.
Genome position (GRCh38, 1-based): chr14:101,925,189, G>A. VCF-style: chr14-101925189-G-A. GRCh37 (hg19) VCF-style: chr14-102391526-G-A.
Other names: c.1585G>A, p.Glu529Lys (NM_001161725.2); c.1540G>A, p.Glu514Lys (NM_001161726.2); c.1375G>A, p.Glu459Lys (NM_001352912.1, NM_178586.3); c.1555G>A, p.Glu519Lys (NM_001352914.2); c.1267G>A, p.Glu423Lys (NM_001352915.2); c.1150G>A, p.Glu384Lys (NM_001352916.2); c.1492G>A, p.Glu498Lys (NM_002719.4); short protein forms E514K, E384K, E423K, E529K, E459K, E498K, E519K, E553K.
Identifiers: ClinVar variation 3721478 (VCV003721478.2).
Genomic context (GRCh38, chr14:101,925,189, plus strand): 5'-TTCTAATTCCAGGCACAGAAAGATCCGAAGAAGGACCGTCCTCTTGCACGCCGCAAGTCC[G>A]AGCTGCCTCAGGACCCCCACACCAAGAAAGCCTTGGAAGCTCACTGCAGGGCCGATGAGC-3'
Protein context (NP_001339842.1, residues 543-563): KDRPLARRKS[Glu553Lys]LPQDPHTKKA

ClinVar aggregate classification (germline): Uncertain significance (1 of 4 stars; one submission).

gnomAD v4.1: 2 of 1,614,122 alleles (0.00012%); highest among the groups gnomAD compares: Middle Eastern, 0.016%; no homozygotes.

Submission:

Labcorp Genetics (formerly Invitae), Labcorp
Classification: Uncertain significance. Last evaluated: 2024-09-24. Review status: criteria provided, single submitter. Criteria: Invitae Variant Classification Sherloc (09022015). Collection method: clinical testing. Allele origin: germline.
Comment: This sequence change replaces glutamic acid, which is acidic and polar, with lysine, which is basic and polar, at codon 529 of the PPP2R5C protein (p.Glu529Lys). This variant is not present in population databases (gnomAD no frequency). This variant has not been reported in the literature in individuals affected with PPP2R5C-related conditions. An algorithm developed to predict the effect of missense changes on protein structure and function (PolyPhen-2) suggests that this variant is likely to be tolerated. In summary, the available evidence is currently insufficient to determine the role of this variant in disease. Therefore, it has been classified as a Variant of Uncertain Significance.